The following is an entry in ClinVar:

ClinVar aggregate classification (germline): Uncertain significance (1 of 4 stars; one submission).

Conditions:
Hereditary nonpolyposis colorectal neoplasms. Identifiers: MedGen C0009405, MeSH D003123.

Submission:

Labcorp Genetics (formerly Invitae), Labcorp
Classification: Uncertain significance for Hereditary nonpolyposis colorectal neoplasms. Last evaluated: 2022-01-01. Review status: criteria provided, single submitter. Criteria: Invitae Variant Classification Sherloc (09022015). Collection method: clinical testing. Allele origin: germline.
Comment: This sequence change replaces threonine, which is neutral and polar, with asparagine, which is neutral and polar, at codon 337 of the PMS2 protein (p.Thr337Asn). In summary, the available evidence is currently insufficient to determine the role of this variant in disease. Therefore, it has been classified as a Variant of Uncertain Significance. Algorithms developed to predict the effect of missense changes on protein structure and function (SIFT, PolyPhen-2, Align-GVGD) all suggest that this variant is likely to be disruptive. This variant has not been reported in the literature in individuals affected with PMS2-related conditions. This variant is not present in population databases (gnomAD no frequency).

NM_000535.7(PMS2):c.1010C>A (p.Thr337Asn)

Gene: PMS2 (PMS1 homolog 2, mismatch repair system component; minus strand). Cytogenetic location: 7p22.1.
Variant type: single nucleotide variant.
Coding change: c.1010C>A on transcript NM_000535.7 (MANE Select); coding-DNA position 1010, C replaced by A.
Protein change: p.Thr337Asn; replaces threonine 337 with asparagine.
Molecular consequence: missense variant. On other transcripts: non-coding transcript variant (1), intron variant (2).
Genome position (GRCh38, 1-based): chr7:5,989,934, G>T on the plus strand (C>A on the coding strand, the complement: PMS2 is on the minus strand). VCF-style: chr7-5989934-G-T. GRCh37 (hg19) VCF-style: chr7-6029565-G-T.
Other names: c.605C>A, p.Thr202Asn (NM_001018040.1, NM_001322003.2, NM_001322004.2 and 17 more transcripts); c.692C>A, p.Thr231Asn (NM_001322007.2, NM_001322008.2, NM_001406876.1 and 2 more transcripts); c.77C>A, p.Thr26Asn (NM_001322011.2, NM_001322012.2); c.437C>A, p.Thr146Asn (NM_001322013.2, NM_001406909.1); c.1010C>A, p.Thr337Asn (NM_001322014.2, NM_001406871.1, NM_001406872.1); c.701C>A, p.Thr234Asn (NM_001322015.2, NM_001406875.1, NM_001406877.1 and 5 more transcripts); c.1196C>A, p.Thr399Asn (NM_001406866.1); c.1034C>A, p.Thr345Asn (NM_001406868.1); and 9 more; short protein forms T202N, T225N, T281N, T301N, T337N, T271N, T345N, T146N.
Identifiers: ClinVar variation 2158370 (VCV002158370.4), dbSNP rs2128748739, ClinGen allele CA366742994.